The following is an entry in ClinVar:

ClinVar aggregate classification (germline): Likely benign. Review status: reviewed by expert panel (3 of 4 stars). 7 submissions from 7 submitters: Likely benign (1). 6 of the submissions do not count toward it. Last evaluated 2017-06-29.

Conditions:
Hereditary breast ovarian cancer syndrome. Also called: Hereditary breast and ovarian cancer syndrome; Hereditary breast and ovarian cancer syndrome (HBOC); BRCA1- and BRCA2-Associated Hereditary Breast and Ovarian Cancer; Breast and ovarian cancer; Hereditary breast and ovarian cancer; Hereditary breast and/or ovarian cancer syndrome. Identifiers: Orphanet 145, MedGen C0677776, MeSH D061325, MONDO:0003582. Disease mechanism: loss of function.
Hereditary cancer-predisposing syndrome. Also called: Hereditary Cancer Syndrome; Hereditary neoplastic syndrome; Tumor predisposition; Neoplastic Syndromes, Hereditary. Identifiers: Orphanet 140162, MedGen C0027672, MeSH D009386, MONDO:0015356.
Breast-ovarian cancer, familial, susceptibility to, 1 (BROVCA1). Also called: OVARIAN CANCER, SUSCEPTIBILITY TO; BRCA1 Hereditary Breast and Ovarian Cancer. Identifiers: Orphanet 145, MedGen C2676676, MONDO:0011450, OMIM 604370. Disease mechanism: loss of function.

Allele frequency attached by ClinVar (database versions not stated): gnomAD exomes 0.00001; TOPMed 0.00001; ExAC 0.00002; gnomAD 0.00004 and 0.00005; 1000 Genomes Project 30x 0.00016; 1000 Genomes Project 0.00020.
gnomAD v4.1: 10 of 1,614,148 alleles (0.00062%); highest among the groups gnomAD compares: African/African-American, 0.012%; no homozygotes.

Submissions (7):

Evidence-based Network for the Interpretation of Germline Mutant Alleles (ENIGMA)
Classification: Likely benign for Breast-ovarian cancer, familial, susceptibility to, 1. Last evaluated: 2017-06-29. Review status: reviewed by expert panel. Criteria: ENIGMA BRCA1/2 Classification Criteria (2017-06-29). Collection method: curation. Allele origin: germline.
Comment: Synonymous substitution variant, with low bioinformatic likelihood to result in a splicing aberration (Splicing prior probability 0.02).

Labcorp Genetics (formerly Invitae), Labcorp
Classification: Likely benign for Hereditary breast ovarian cancer syndrome. Last evaluated: 2025-09-14. Review status: criteria provided, single submitter. Criteria: Invitae Variant Classification Sherloc (09022015). Collection method: clinical testing. Allele origin: germline. Not counted in ClinVar's aggregate classification.

Sema4
Classification: Likely benign for Hereditary cancer-predisposing syndrome. Last evaluated: 2021-08-27. Review status: criteria provided, single submitter. Criteria: Sema4 Curation Guidelines. Collection method: curation. Allele origin: germline. Not counted in ClinVar's aggregate classification.

Women's Health and Genetics/Laboratory Corporation of America, LabCorp
Classification: Likely benign. Last evaluated: 2019-08-21. Review status: criteria provided, single submitter. Criteria: LabCorp Variant Classification Summary - May 2015. Collection method: clinical testing. Allele origin: germline. Not counted in ClinVar's aggregate classification.

Color Diagnostics, LLC DBA Color Health
Classification: Likely benign for Hereditary cancer-predisposing syndrome. Last evaluated: 2019-01-28. Review status: criteria provided, single submitter. Criteria: ACMG Guidelines, 2015. Collection method: clinical testing. Allele origin: germline. Not counted in ClinVar's aggregate classification.

GeneDx
Classification: Likely benign. Last evaluated: 2017-07-28. Review status: criteria provided, single submitter. Criteria: GeneDx Variant Classification (06012015). Collection method: clinical testing. Allele origin: germline. Affected: yes. Not counted in ClinVar's aggregate classification.
Comment: This variant is considered likely benign or benign based on one or more of the following criteria: it is a conservative change, it occurs at a poorly conserved position in the protein, it is predicted to be benign by multiple in silico algorithms, and/or has population frequency not consistent with disease.

Ambry Genetics
Classification: Likely benign for Hereditary cancer-predisposing syndrome. Last evaluated: 2014-12-11. Review status: criteria provided, single submitter. Criteria: Ambry Variant Classification Scheme 2023. Collection method: clinical testing. Allele origin: germline. Not counted in ClinVar's aggregate classification.

NM_007294.4(BRCA1):c.1237T>C (p.Leu413=)

Gene: BRCA1 (BRCA1 DNA repair associated; minus strand). Cytogenetic location: 17q21.31.
Variant type: single nucleotide variant.
Coding change: c.1237T>C on transcript NM_007294.4 (MANE Select); coding-DNA position 1237, T replaced by C.
Protein change: p.Leu413=; no amino-acid change (leucine 413 retained).
Molecular consequence: synonymous variant. On other transcripts: intron variant (137).
Genome position (GRCh38, 1-based): chr17:43,094,294, A>G on the plus strand (T>C on the coding strand, the complement: BRCA1 is on the minus strand). VCF-style: chr17-43094294-A-G. GRCh37 (hg19) VCF-style: chr17-41246311-A-G.
Other names: c.1027T>C, p.Leu343= (NM_001407886.1, NM_001407887.1, NM_001407889.1 and 13 more transcripts); c.1024T>C, p.Leu342= (NM_001407894.1, NM_001407895.1, NM_001407896.1 and 9 more transcripts); c.1114T>C, p.Leu372= (NM_001407919.1, NM_001407937.1, NM_001407938.1 and 19 more transcripts); c.973T>C, p.Leu325= (NM_001407920.1, NM_001407921.1, NM_001407922.1 and 9 more transcripts); c.970T>C, p.Leu324= (NM_001407930.1, NM_001407931.1, NM_001407932.1 and 2 more transcripts); c.1111T>C, p.Leu371= (NM_001407940.1, NM_001407941.1, NM_001407649.1 and 11 more transcripts); c.1096T>C, p.Leu366= (NM_001407942.1, NM_001407944.1, NM_001407945.1 and 29 more transcripts); c.1093T>C, p.Leu365= (NM_001407943.1, NM_001407964.1, NM_001407740.1 and 20 more transcripts); and 40 more.
Identifiers: ClinVar variation 187539 (VCV000187539.22), dbSNP rs574008372, ClinGen allele CA000813.